The following is an entry in ClinVar:

ClinVar aggregate classification (germline): Pathogenic (1 of 4 stars; one submission).

Submission:

ISCA site 15
Classification: Pathogenic. Last evaluated: 2011-08-12. Review status: criteria provided, single submitter. Criteria: Kaminsky et al. (Genet Med. 2011). Collection method: clinical testing. Allele origin: unknown. Affected: yes. Observed: 1 variant allele.
Comment: Copy number variation identified through the course of routine clinical cytogenomic testing in postnatal populations. Clinical assertions have been curated as described in Kaminsky et al. 2011.

GRCh38/hg38 1p36.33-36.23(chr1:629025-8537745)x1

Genes: ACAP3 (ArfGAP with coiled-coil, ankyrin repeat and PH domains 3; minus strand), ACOT7 (acyl-CoA thioesterase 7; minus strand), ACTRT2 (actin related protein T2; plus strand), AGRN (agrin; plus strand), AJAP1 (adherens junctions associated protein 1; plus strand) and 518 more. Cytogenetic location: 1p36.33-36.23.
Variant type: copy number loss.
Change: copy number 1 (one copy instead of two) of chr1:629,025-8,537,745 (7.91 Mb, GRCh38 coordinates, 1-based), cytogenetic band 1p36.33-36.23.
Identifiers: ClinVar variation 58242 (VCV000058242.1).